The following is an entry in ClinVar:

NM_004628.5(XPC):c.1057G>A (p.Val353Ile)

Gene: XPC (XPC complex subunit, DNA damage recognition and repair factor; minus strand). Cytogenetic location: 3p25.1.
Variant type: single nucleotide variant.
Coding change: c.1057G>A on transcript NM_004628.5 (MANE Select); coding-DNA position 1057, G replaced by A.
Protein change: p.Val353Ile; replaces valine 353 with isoleucine.
Molecular consequence: missense variant. On other transcripts: non-coding transcript variant (2).
Genome position (GRCh38, 1-based): chr3:14,158,826, C>T on the plus strand (G>A on the coding strand, the complement: XPC is on the minus strand). VCF-style: chr3-14158826-C-T. GRCh37 (hg19) VCF-style: chr3-14200326-C-T.
Other names: c.478G>A, p.Val160Ile (NM_001354726.2); c.1057G>A, p.Val353Ile (NM_001354727.2, NM_001354730.2); c.1039G>A, p.Val347Ile (NM_001354729.2); short protein forms V160I, V347I, V353I.
Identifiers: ClinVar variation 4882202 (VCV004882202.2).

ClinVar aggregate classification (germline): Uncertain significance (1 of 4 stars; one submission).

Submission:

Dasa
Classification: Uncertain significance. Last evaluated: 2025-02-09. Review status: criteria provided, single submitter. Criteria: DASA Assertion Criteria. Collection method: clinical testing. Allele origin: germline.
Comment: NM_004628.5(XPC):c.1057G>A (p.Val353Ile) is a missense variant that results in the substitution of valine with isoleucine. This variant is absent from population databases. Computational prediction algorithms are consistent with a benign effect. The currently available literature and clinical evidence are not sufficient to establish a definitive association between this variant and the reported condition. Therefore, this variant is classified as a variant of uncertain significance.